The following is an entry in ClinVar:

ClinVar aggregate classification (germline): Uncertain significance. Review status: criteria provided, multiple submitters, no conflicts (2 of 4 stars). 2 submissions from 2 submitters: Uncertain significance (2). Last evaluated 2025-08-18.

Allele frequency attached by ClinVar (database versions not stated): ExAC 0.00001; gnomAD 0.00001; gnomAD exomes 0.00001; TOPMed 0.00001.
gnomAD v4.1: 13 of 1,613,440 alleles (0.00081%); highest among the groups gnomAD compares: Admixed American, 0.0083%; no homozygotes.

Submissions (2):

Labcorp Genetics (formerly Invitae), Labcorp
Classification: Uncertain significance. Last evaluated: 2025-08-18. Review status: criteria provided, single submitter. Criteria: Invitae Variant Classification Sherloc (09022015). Collection method: clinical testing. Allele origin: germline.
Comment: This sequence change replaces arginine, which is basic and polar, with histidine, which is basic and polar, at codon 652 of the PDE6A protein (p.Arg652His). This variant is present in population databases (rs757363164, gnomAD 0.0009%). This variant has not been reported in the literature in individuals affected with PDE6A-related conditions. ClinVar contains an entry for this variant (Variation ID: 1355313). Invitae Evidence Modeling of protein sequence and biophysical properties (such as structural, functional, and spatial information, amino acid conservation, physicochemical variation, residue mobility, and thermodynamic stability) indicates that this missense variant is not expected to disrupt PDE6A protein function with a negative predictive value of 95%. In summary, the available evidence is currently insufficient to determine the role of this variant in disease. Therefore, it has been classified as a Variant of Uncertain Significance.

Blueprint Genetics
Classification: Uncertain significance. Last evaluated: 2022-01-05. Review status: criteria provided, single submitter. Criteria: ACMG Guidelines, 2015. Collection method: clinical testing. Allele origin: germline.

NM_000440.3(PDE6A):c.1955G>A (p.Arg652His)

Gene: PDE6A (phosphodiesterase 6A; minus strand). Cytogenetic location: 5q32.
Variant type: single nucleotide variant.
Coding change: c.1955G>A on transcript NM_000440.3 (MANE Select); coding-DNA position 1955, G replaced by A.
Protein change: p.Arg652His; replaces arginine 652 with histidine.
Molecular consequence: missense variant.
Genome position (GRCh38, 1-based): chr5:149,884,551, C>T on the plus strand (G>A on the coding strand, the complement: PDE6A is on the minus strand). VCF-style: chr5-149884551-C-T. GRCh37 (hg19) VCF-style: chr5-149264114-C-T.
Other names: short protein forms R652H.
Identifiers: ClinVar variation 1355313 (VCV001355313.8), dbSNP rs757363164, ClinGen allele CA3504454.
Genomic context (GRCh38, chr5:149,884,551, plus strand): 5'-GCGAGGTCTGTGGCAATGATTGCAATGTCCATCATGTGGATGGCATGCTCATGCTGTCGA[C>T]GATTGAGGTTTTGAAAGATATTCAGGCTCTAAAGAAAAAAAGAGAAGCGAGATGGGAGAG-3'
Protein context (NP_000431.2, residues 642-662): ESLNIFQNLN[Arg652His]RQHEHAIHMM